The following is an entry in ClinVar:

NM_000254.3(MTR):c.1613C>G (p.Pro538Arg)

Gene: MTR (5-methyltetrahydrofolate-homocysteine methyltransferase; plus strand). Cytogenetic location: 1q43.
Variant type: single nucleotide variant.
Coding change: c.1613C>G on transcript NM_000254.3 (MANE Select); coding-DNA position 1613, C replaced by G.
Protein change: p.Pro538Arg; replaces proline 538 with arginine.
Molecular consequence: missense variant.
Genome position (GRCh38, 1-based): chr1:236,850,441, C>G. VCF-style: chr1-236850441-C-G. GRCh37 (hg19) VCF-style: chr1-237013741-C-G.
Other names: c.1613C>G, p.Pro538Arg (NM_001291939.1, NM_001410942.1); c.392C>G, p.Pro131Arg (NM_001291940.2); short protein forms P131R, P538R.
Identifiers: ClinVar variation 3685964 (VCV003685964.2).
Genomic context (GRCh38, chr1:236,850,441, plus strand): 5'-GGGCCTACCATCTGCTTGTGAAAAAACTGGGCTTTAATCCAAATGACATTATTTTTGACC[C>G]TAATATCCTAACCATTGGGACTGGAATGGAGGAACACAACTTGTATGCCATTAATTTTAT-3'
Protein context (NP_000245.2, residues 528-548): GFNPNDIIFD[Pro538Arg]NILTIGTGME

ClinVar aggregate classification (germline): Uncertain significance (1 of 4 stars; one submission).

Conditions:
Methylcobalamin deficiency type cblG (HMAG). Also called: HOMOCYSTINURIA-MEGALOBLASTIC ANEMIA DUE TO DEFECT IN COBALAMIN METABOLISM, cblG COMPLEMENTATION TYPE; HOMOCYSTINURIA-MEGALOBLASTIC ANEMIA, cblG TYPE; Functional methionine synthase deficiency type cblG; HOMOCYSTINURIA-MEGALOBLASTIC ANEMIA, cblG COMPLEMENTATION TYPE. Identifiers: Orphanet 2170, Orphanet 622, MedGen C1855128, MONDO:0009609, OMIM 250940.

Submission:

Labcorp Genetics (formerly Invitae), Labcorp
Classification: Uncertain significance for Methylcobalamin deficiency type cblG. Last evaluated: 2024-04-29. Review status: criteria provided, single submitter. Criteria: Invitae Variant Classification Sherloc (09022015). Collection method: clinical testing. Allele origin: germline.
Comment: This sequence change replaces proline, which is neutral and non-polar, with arginine, which is basic and polar, at codon 538 of the MTR protein (p.Pro538Arg). This variant is not present in population databases (gnomAD no frequency). This variant has not been reported in the literature in individuals affected with MTR-related conditions. Advanced modeling of protein sequence and biophysical properties (such as structural, functional, and spatial information, amino acid conservation, physicochemical variation, residue mobility, and thermodynamic stability) performed at Invitae indicates that this missense variant is expected to disrupt MTR protein function with a positive predictive value of 80%. In summary, the available evidence is currently insufficient to determine the role of this variant in disease. Therefore, it has been classified as a Variant of Uncertain Significance.